The following continues an entry in ClinVar:

NM_014625.4(NPHS2):c.413G>A (p.Arg138Gln)

Gene: NPHS2. ClinVar aggregate classification (germline): Pathogenic/Likely pathogenic. Pathogenic (21); Likely pathogenic (1).

Submissions 12 to 22 of 31:

GeneDx
Classification: Pathogenic. Last evaluated: 2021-11-17. Review status: criteria provided, single submitter. Criteria: GeneDx Variant Classification Process June 2021. Collection method: clinical testing. Allele origin: germline. Affected: yes.
Comment: Published functional studies demonstrate a damaging effect with altered protein folding and accumulation in the endoplasmic reticulum instead of the plasma membrane as seen in the wild type (Ohashi et al., 2003; Roselli et al., 2004). Furthermore, homozygous knock-in mouse models presented with nephrotic syndrome with features similar to human disease (Tabatabaeifar et al., 2017); In silico analysis supports that this missense variant has a deleterious effect on protein structure/function; This variant is associated with the following publications: (PMID: 28780565, 21171529, 21415313, 19406966, 14570703, 24464702, 18443213, 24500309, 24089165, 14675423, 10742096, 25903641, 26211502, 29982877, 19495806, 29382718, 29049388, 11854170, 25852895, 24856380, 19371226, 20947785, 18216321, 15253708, 14978175, 25349199, 29474669, 31028937, 31980526, 32581362, 32585588, 12649741)

Fulgent Genetics
Classification: Pathogenic for Nephrotic syndrome, type 2. Last evaluated: 2021-06-30. Review status: criteria provided, single submitter. Criteria: ACMG Guidelines, 2015. Collection method: clinical testing. Allele origin: unknown.
Comment: This variant has been detected in individual(s) who were sent for testing of Renasight - kidney gene panel.

CeGaT Center for Human Genetics Tuebingen
Classification: Pathogenic. Last evaluated: 2020-12-01. Review status: criteria provided, single submitter. Criteria: CeGaT Center For Human Genetics Tuebingen Variant Classification Criteria Version 2. Collection method: clinical testing. Allele origin: germline. Affected: yes. Observed: 3 variant alleles.

Athena Diagnostics
Classification: Pathogenic. Last evaluated: 2020-06-24. Review status: criteria provided, single submitter. Criteria: Athena Diagnostics Criteria. Collection method: clinical testing. Allele origin: unknown.
Comment: This variant is one of the most common variants associated with autosomal recessive steroid-resistant nephrotic syndrome (PMID 15253708), therefore the frequency of this variant in the general population is consistent with pathogenicity. Predicted to have a damaging effect on the protein. This variant is statistically more frequent in affected individuals than in the general population and/or healthy controls. In multiple individuals, this variant has been seen with a single recessive pathogenic variant in the same gene, suggesting this variant may also be pathogenic. Assessment of experimental evidence suggests this variant results in abnormal protein function. Segregation with disease, and data include affected and unaffected individuals from multiple families.

Cavalleri Lab, Royal College of Surgeons in Ireland
Classification: Likely pathogenic for Chronic kidney disease. Last evaluated: 2020-05-28. Review status: criteria provided, single submitter. Criteria: ACMG Guidelines, 2015. Collection method: research. Allele origin: unknown. Inheritance: Autosomal recessive inheritance. Affected: yes.
Comment: PS3, PP3, PP5

Myriad Genetics, Inc.
Classification: Pathogenic for Nephrotic syndrome, type 2. Last evaluated: 2019-11-18. Review status: criteria provided, single submitter. Criteria: Myriad Women's Health Autosomal Recessive and X-Linked Classification Criteria (2019). Collection method: clinical testing. Allele origin: unknown.
Comment: NM_014625.2(NPHS2):c.413G>A(R138Q) is classified as pathogenic in the context of NPHS2-related nephrotic syndrome. Sources cited for classification include the following: PMID 11805166, 10742096, 21415313, 21171529, 24089165, 12649741, 14570703 and 14675423. Classification of NM_014625.2(NPHS2):c.413G>A(R138Q) is based on the following criteria: This is a well-established pathogenic variant in the literature that has been observed more frequently in patients with clinical diagnoses than in healthy populations. Please note: this variant was assessed in the context of healthy population screening.

Institute of Human Genetics Munich, TUM University Hospital
Classification: Pathogenic for Nephrotic syndrome, type 2. Last evaluated: 2019-04-26. Review status: criteria provided, single submitter. Criteria: Classification criteria August 2017. Collection method: clinical testing. Allele origin: maternal, inherited. Inheritance: Autosomal recessive inheritance. Affected: yes. Observed: 2 compound heterozygotes.

Broad Center for Mendelian Genomics, Broad Institute of MIT and Harvard
Classification: Pathogenic for Nephrotic syndrome, type 2. Last evaluated: 2018-12-03. Review status: criteria provided, single submitter. Criteria: ACMG Guidelines, 2015. Collection method: research. Allele origin: germline. Inheritance: Autosomal recessive inheritance. Affected: yes.
Comment: This variant has also been reported pathogenic in ClinVar (Variation ID: 5360). The p.Arg138Gln variant in NPHS2 has been reported in the homozygous and heterozygous state, in 20 individuals of European descent with nephrotic syndrome (PMID: 23242530, 24500309,11729243, 19406966), and has been identified in 0.1153% (146/126602) of European (non-Finnish) chromosomes by the Genome Aggregation Database (gnomAD; dbSNP rs74315342). Although this variant has been seen in the general population, its frequency is not high enough to rule out a pathogenic role and its prevalence in European individuals suggests a founder effect. Functional studies with mammalian cells provide some evidence that the p.Arg138Gln variant may impact protein function by preventing localization to the plasma membrane from the endoplasmic reticulum and increasing protein degradation (PMID: 12649741, 29382718). However, these types of assays may not accurately represent biological function. Computational prediction tools and conservation analyses suggest that this variant may impact the protein, though this information is not predictive enough to determine pathogenicity. The presence of this variant in combination with 4 loss of function variants (1 in this study, 3 from the literature) and in an individual with nephrotic syndrome increases the likelihood that the p.Arg138Gln variant is pathogenic (PMID: 23242530). In summary, this variant meets criteria to be classified as pathogenic for nephrotic syndrome in an autosomal recessive manner based on evidence from functional studies with mammal cells and multiple occurrences with pathogenic variants in individuals with nephrotic syndrome. ACMG/AMP Criteria applied: PP3, PS3, PM3_Strong (Richards 2015).

Eurofins Ntd Llc (ga)
Classification: Pathogenic. Last evaluated: 2017-12-01. Review status: criteria provided, single submitter. Criteria: EGL Classification Definitions 2015. Collection method: clinical testing. Allele origin: germline. Observed: 2 variant alleles, 2 heterozygotes.

Illumina Laboratory Services, Illumina
Classification: Pathogenic for Nephrotic syndrome, type 2. Last evaluated: 2017-04-27. Review status: criteria provided, single submitter. Criteria: ICSL Variant Classification Criteria 09 May 2019. Collection method: clinical testing. Allele origin: germline.
Comment: The NPHS2 c.413G>A (p.Arg138Gln) missense variant is a well-established European founder variant that represents approximately 30%-40% of variant alleles in individuals with steroid-resistant nephrotic syndrome (SRNS) from that population (Bouchireb et al. 2014). Across a small selection of the available literature, the p.Arg138Gln variant is reported in a total of 71 individuals including in a homozygous state in 37 affected individuals, in a compound heterozygous state in 31 affected individuals, in a heterozygous state where a second variant was not identified in two affected siblings, and in a heterozygous state in one unaffected family member (Boute et al. 2000; Caridi et al. 2001; Koziell et al. 2002; Laurin et al. 2014; Binczak-Kuleta et al. 2014; Jain et al. et al. 2014; Sadowski et al. 2015). Control data are unavailable in these studies, though the variant is reported at a frequency of 0.00118 in the European (non-Finnish) population of the Exome Aggregation Consortium. A review by Bouchireb et al. (2014) indicates that the Arg138 residue is highly conserved among stromatin-like protein family members and the p.Arg138Gln variant protein is retained in the endoplasmic reticulum, rather than targeting normally to the plasma membrane. Bouchireb et al. (2014) also report that a knock-in mouse model homozygous for the equivalent of this variant presents at birth with severe proteinuria and progresses to end-stage kidney disease by five weeks of life. Based on the collective evidence, the p.Arg138Gln variant is classified as pathogenic for steroid-resistant nephrotic syndrome. This variant was observed by ICSL as part of a predisposition screen in an ostensibly healthy population.

Women's Health and Genetics/Laboratory Corporation of America, LabCorp
Classification: Pathogenic for Idiopathic nephrotic syndrome. Last evaluated: 2016-12-08. Review status: criteria provided, single submitter. Criteria: LabCorp Variant Classification Summary - May 2015. Collection method: clinical testing. Allele origin: germline.
Comment: Variant summary: The NPHS2 c.413G>A (p.Arg138Gln) variant involves the alteration of a conserved nucleotide. 3/4 in silico tools predict a damaging outcome for this variant (SNPs&GO not captured due to low reliability index). This variant was found in 82/121298 control chromosomes at a frequency of 0.000676, which does not exceed the estimated maximal expected allele frequency of a pathogenic NPHS2 variant (0.0017678). The variant is considered a common disease variant and has been reported as an European founder mutation. The variant is reported in numerous affected individuals in the literature in both the homozygous and compound heterozygous state. Additionally, functional studies show that while the variant resulted in a protien that retains the ability to homo-oligomerize, the protein is retained in the ER and fails to recruit nephrin to lipid drafts (Huber_2003). Multiple clinical diagnostic laboratories/reputable databases classified this variant as pathogenic. Taken together, this variant is classified as pathogenic.